The following is an entry in ClinVar:

NM_001009944.3(PKD1):c.11537+1G>A

Genes: PKD1 (polycystin 1, transient receptor potential channel interacting; minus strand), PKD1-AS1 (PKD1 antisense RNA 1; plus strand). Cytogenetic location: 16p13.3.
Variant type: single nucleotide variant.
Coding change: c.11537+1G>A on transcript NM_001009944.3 (MANE Select); the canonical splice donor site of the intron after coding-DNA position 11537, G replaced by A.
Molecular consequence: splice donor variant.
Genome position (GRCh38, 1-based): chr16:2,091,780, C>T on the plus strand (G>A on the coding strand, the complement: PKD1 is on the minus strand). VCF-style: chr16-2091780-C-T. GRCh37 (hg19) VCF-style: chr16-2141781-C-T.
Other names: c.11534+1G>A (NM_000296.4); c.11537+1G>A (NM_001009944.2).
Identifiers: ClinVar variation 3252556 (VCV003252556.2), dbSNP rs2544619495.

ClinVar aggregate classification (germline): Pathogenic/Likely pathogenic. Review status: criteria provided, multiple submitters, no conflicts (2 of 4 stars). 2 submissions from 2 submitters: Pathogenic (1); Likely pathogenic (1). Last evaluated 2025-03-11.

Conditions:
PKD1-related disorder. Also called: PKD1-related condition.

Submissions (2):

PreventionGenetics, part of Exact Sciences
Classification: Pathogenic for PKD1-related condition. Last evaluated: 2025-03-11. Review status: criteria provided, single submitter. Criteria: ACMG Guidelines, 2015. Collection method: clinical testing. Allele origin: germline.
Comment: The PKD1 c.11537+1G>A variant is predicted to disrupt the GT donor site and interfere with normal splicing. This variant was reported in an individual with autosomal dominant polycystic kidney disease (ADPKD) (Table S1, Kurashige et al. 2015. PubMed ID: 24611717). This variant has not been reported in a large population database (gnomAD), indicating this variant is rare. Variants that disrupt the consensus splice donor site in PKD1 are expected to be pathogenic. This variant is interpreted as pathogenic.

GeneDx
Classification: Likely pathogenic. Last evaluated: 2023-06-06. Review status: criteria provided, single submitter. Criteria: GeneDx Variant Classification Process June 2021. Collection method: clinical testing. Allele origin: germline. Affected: yes.
Comment: Canonical splice site variant predicted to result in an in-frame loss of the adjacent exon in a gene for which loss of function is a known mechanism of disease; Not observed at significant frequency in large population cohorts (gnomAD); This variant is associated with the following publications: (PMID: 24611717)